The following is an entry in ClinVar:

NM_004082.5(DCTN1):c.1841G>A (p.Arg614His)

Gene: DCTN1 (dynactin subunit 1; minus strand). Cytogenetic location: 2p13.1.
Variant type: single nucleotide variant.
Coding change: c.1841G>A on transcript NM_004082.5 (MANE Select); coding-DNA position 1841, G replaced by A.
Protein change: p.Arg614His; replaces arginine 614 with histidine.
Molecular consequence: missense variant. On other transcripts: non-coding transcript variant (1).
Genome position (GRCh38, 1-based): chr2:74,368,741, C>T on the plus strand (G>A on the coding strand, the complement: DCTN1 is on the minus strand). VCF-style: chr2-74368741-C-T. GRCh37 (hg19) VCF-style: chr2-74595868-C-T.
Other names: c.1781G>A, p.Arg594His (NM_001135040.3); c.1439G>A, p.Arg480His (NM_001135041.3, NM_023019.4); c.1730G>A, p.Arg577His (NM_001190836.2); c.1820G>A, p.Arg607His (NM_001190837.2); c.1790G>A, p.Arg597His (NM_001378991.1); c.1772G>A, p.Arg591His (NM_001378992.1); short protein forms R480H, R594H, R597H, R577H, R591H, R607H, R614H.
Identifiers: ClinVar variation 2089997 (VCV002089997.5), dbSNP rs1573157905, ClinGen allele CA347354910.

ClinVar aggregate classification (germline): Uncertain significance. Review status: criteria provided, multiple submitters, no conflicts (2 of 4 stars). 2 submissions from 2 submitters: Uncertain significance (2). Last evaluated 2025-09-09.

Conditions:
Amyotrophic lateral sclerosis type 1 (ALS1). Also called: AMYOTROPHIC LATERAL SCLEROSIS 1, FAMILIAL. Identifiers: Orphanet 803, MedGen C1862939, MONDO:0007103, OMIM 105400.
Neuronopathy, distal hereditary motor, type 7B. Also called: NEURONOPATHY, DISTAL HEREDITARY MOTOR, AUTOSOMAL DOMINANT 14; NEURONOPATHY, DISTAL HEREDITARY MOTOR, HARDING TYPE VIIB; NEUROPATHY, DISTAL HEREDITARY MOTOR, HARDING TYPE VIIB; NEUROPATHY, DISTAL HEREDITARY MOTOR, WITH VOCAL CORD PARALYSIS, HARDING TYPE VIIB; Distal Hereditary Motor Neuronopathy Type 7B (dHMN7B); HMN VIIB. Identifiers: Orphanet 139589, MedGen C1843315, MONDO:0011879, OMIM 607641.
Perry syndrome. Also called: PARKINSONISM WITH ALVEOLAR HYPOVENTILATION AND MENTAL DEPRESSION. Identifiers: Orphanet 178509, MedGen C1868594, MONDO:0008201, OMIM 168605.
Inborn genetic diseases. Identifiers: MedGen C0950123, MeSH D030342.

Allele frequency attached by ClinVar (database versions not stated): gnomAD 0.00001.

Submissions (2):

Labcorp Genetics (formerly Invitae), Labcorp
Classification: Uncertain significance for Amyotrophic lateral sclerosis type 1; Neuronopathy, distal hereditary motor, type 7B; Perry syndrome. Last evaluated: 2025-09-09. Review status: criteria provided, single submitter. Criteria: Invitae Variant Classification Sherloc (09022015). Collection method: clinical testing. Allele origin: germline.
Comment: This sequence change replaces arginine, which is basic and polar, with histidine, which is basic and polar, at codon 614 of the DCTN1 protein (p.Arg614His). This variant is not present in population databases (gnomAD no frequency). This variant has not been reported in the literature in individuals affected with DCTN1-related conditions. ClinVar contains an entry for this variant (Variation ID: 2089997). Invitae Evidence Modeling of protein sequence and biophysical properties (such as structural, functional, and spatial information, amino acid conservation, physicochemical variation, residue mobility, and thermodynamic stability) has been performed for this missense variant. However, the output from this modeling did not meet the statistical confidence thresholds required to predict the impact of this variant on DCTN1 protein function. In summary, the available evidence is currently insufficient to determine the role of this variant in disease. Therefore, it has been classified as a Variant of Uncertain Significance.

Ambry Genetics
Classification: Uncertain significance for Inborn genetic diseases. Last evaluated: 2025-01-09. Review status: criteria provided, single submitter. Criteria: Ambry Variant Classification Scheme 2023. Collection method: clinical testing. Allele origin: germline.